The following is an entry in ClinVar:

NM_002381.5(MATN3):c.1218G>T (p.Val406=)

Genes: MATN3 (matrilin 3; minus strand), WDR35-DT (WDR35 divergent transcript; plus strand). Cytogenetic location: 2p24.1.
Variant type: single nucleotide variant.
Coding change: c.1218G>T on transcript NM_002381.5 (MANE Select); coding-DNA position 1218, G replaced by T.
Protein change: p.Val406=; no amino-acid change (valine 406 retained).
Molecular consequence: synonymous variant.
Genome position (GRCh38, 1-based): chr2:19,997,210, C>A on the plus strand (G>T on the coding strand, the complement: MATN3 is on the minus strand). VCF-style: chr2-19997210-C-A. GRCh37 (hg19) VCF-style: chr2-20196971-C-A.
Identifiers: ClinVar variation 760324 (VCV000760324.9), dbSNP rs766299841, ClinGen allele CA1543770.

ClinVar aggregate classification (germline): Likely benign. Review status: criteria provided, single submitter (1 of 4 stars). 2 submissions from 2 submitters: Likely benign (1). 1 of the submissions does not count toward it. Last evaluated 2025-08-11.

Conditions:
MATN3-related disorder. Also called: MATN3-related condition.

Allele frequency attached by ClinVar (database versions not stated): TOPMed 0.00002; ExAC 0.00003; gnomAD 0.00003; gnomAD exomes 0.00003.
gnomAD v4.1: 46 of 1,613,666 alleles (0.0029%); highest among the groups gnomAD compares: Admixed American, 0.005%; no homozygotes.

Submissions (2):

Labcorp Genetics (formerly Invitae), Labcorp
Classification: Likely benign. Last evaluated: 2025-08-11. Review status: criteria provided, single submitter. Criteria: Invitae Variant Classification Sherloc (09022015). Collection method: clinical testing. Allele origin: germline.

PreventionGenetics, part of Exact Sciences
Classification: Likely benign for MATN3-related condition. Last evaluated: 2019-08-13. Review status: no assertion criteria provided. Collection method: clinical testing. Allele origin: germline. Not counted in ClinVar's aggregate classification.
Comment: This variant is classified as likely benign based on ACMG/AMP sequence variant interpretation guidelines (Richards et al. 2015 PMID: 25741868, with internal and published modifications).